The following is an entry in ClinVar:

NM_004614.5(TK2):c.644T>C (p.Leu215Pro)

Gene: TK2 (thymidine kinase 2; minus strand). Cytogenetic location: 16q21.
Variant type: single nucleotide variant.
Coding change: c.644T>C on transcript NM_004614.5 (MANE Select); coding-DNA position 644, T replaced by C.
Protein change: p.Leu215Pro; replaces leucine 215 with proline.
Molecular consequence: missense variant. On other transcripts: non-coding transcript variant (1).
Genome position (GRCh38, 1-based): chr16:66,513,786, A>G on the plus strand (T>C on the coding strand, the complement: TK2 is on the minus strand). VCF-style: chr16-66513786-A-G. GRCh37 (hg19) VCF-style: chr16-66547689-A-G.
Other names: c.551T>C, p.Leu184Pro (NM_001172643.1); c.569T>C, p.Leu190Pro (NM_001172644.2); c.590T>C, p.Leu197Pro (NM_001172645.2); c.497T>C, p.Leu166Pro (NM_001271934.2); c.382T>C, p.Ser128Pro (NM_001271935.1); c.353T>C, p.Leu118Pro (NM_001272050.2); short protein forms L215P, L166P, L184P, S128P, L118P, L197P, L190P.
Identifiers: ClinVar variation 2736362 (VCV002736362.5), dbSNP rs281865497, ClinGen allele CA343318.

ClinVar aggregate classification (germline): Pathogenic/Likely pathogenic. Review status: criteria provided, multiple submitters, no conflicts (2 of 4 stars). 2 submissions from 2 submitters: Pathogenic (1); Likely pathogenic (1). Last evaluated 2025-11-24.

Conditions:
Mitochondrial disease. Also called: Mitochondrial disorders; Mitochondrial disorder. Identifiers: Orphanet 68380, MedGen C0751651, MeSH D028361, MONDO:0044970.

Allele frequency attached by ClinVar (database versions not stated): gnomAD exomes 0.00001 and below 0.00001; ExAC 0.00002.
gnomAD v4.1: 2 of 1,613,990 alleles (0.00012%); highest among the groups gnomAD compares: Non-Finnish European, 0.00017%; no homozygotes.

Submissions (2):

Genomenon, Inc
Classification: Likely pathogenic for Mitochondrial disease. Last evaluated: 2025-11-24. Review status: criteria provided, single submitter. Criteria: Genomenon Sequence Variant Interpretation Standards - Updated. Collection method: curation. Allele origin: germline. Affected: yes.
Comment: TK2 p.Leu215Pro (c.644T>C) is a missense variant that changes the amino acid at residue 215 from Leucine to Proline. It is also described as L257P in the literature. This variant has been observed in multiple probands affected with mitochondrial disease in the compound heterozygous state (32572108, 16504786) and was found to segregate with disease in an affected family (16504786). This variant is not present at a significant frequency in gnomAD and in silico models agree that this variant is possibly or probably damaging. In conclusion, we classify TK2 p.Leu215Pro (c.644T>C) as a likely pathogenic variant.

Labcorp Genetics (formerly Invitae), Labcorp
Classification: Pathogenic. Last evaluated: 2023-12-14. Review status: criteria provided, single submitter. Criteria: Invitae Variant Classification Sherloc (09022015). Collection method: clinical testing. Allele origin: germline.
Comment: This sequence change replaces leucine, which is neutral and non-polar, with proline, which is neutral and non-polar, at codon 215 of the TK2 protein (p.Leu215Pro). This variant is present in population databases (rs281865497, gnomAD 0.0009%). This missense change has been observed in individual(s) with mitochondrial DNA depletion syndrome (PMID: 16504786). It has also been observed to segregate with disease in related individuals. This variant is also known as p.Leu257Pro. Advanced modeling of protein sequence and biophysical properties (such as structural, functional, and spatial information, amino acid conservation, physicochemical variation, residue mobility, and thermodynamic stability) performed at Invitae indicates that this missense variant is expected to disrupt TK2 protein function with a positive predictive value of 80%. For these reasons, this variant has been classified as Pathogenic.

Literature cited by the submitters: PubMed 32572108 (cited by Genomenon, Inc); PubMed 16504786 (cited by Genomenon, Inc and Labcorp Genetics (formerly Invitae), Labcorp).